The following is an entry in ClinVar:

ClinVar aggregate classification (germline): Uncertain significance (1 of 4 stars; one submission).

Submission:

Ambry Genetics
Classification: Uncertain significance. Last evaluated: 2023-12-04. Review status: criteria provided, single submitter. Criteria: Ambry Variant Classification Scheme 2023. Collection method: clinical testing. Allele origin: germline.
Comment: The p.M181L variant (also known as c.541A>C), located in coding exon 7 of the RAD54L gene, results from an A to C substitution at nucleotide position 541. The methionine at codon 181 is replaced by leucine, an amino acid with highly similar properties. This amino acid position is conserved. In addition, the in silico prediction for this alteration is inconclusive. Since supporting evidence is limited at this time, the clinical significance of this alteration remains unclear.

NM_003579.4(RAD54L):c.541A>C (p.Met181Leu)

Gene: RAD54L (RAD54 like; plus strand). Cytogenetic location: 1p34.1.
Variant type: single nucleotide variant.
Coding change: c.541A>C on transcript NM_003579.4 (MANE Select); coding-DNA position 541, A replaced by C.
Protein change: p.Met181Leu; replaces methionine 181 with leucine.
Molecular consequence: missense variant. On other transcripts: initiator codon variant (1).
Genome position (GRCh38, 1-based): chr1:46,260,790, A>C. VCF-style: chr1-46260790-A-C. GRCh37 (hg19) VCF-style: chr1-46726462-A-C.
Other names: c.541A>C, p.Met181Leu (NM_001142548.2); c.1A>C, p.Met1Leu (NM_001370766.1); short protein forms M181L, M1L.
Identifiers: ClinVar variation 3223450 (VCV003223450.1), dbSNP rs763865892, ClinGen allele CA340185867.